The following is an entry in ClinVar:

NM_004937.3(CTNS):c.225+5_225+8del

Gene: CTNS (cystinosin, lysosomal cystine transporter; plus strand). Cytogenetic location: 17p13.2.
Variant type: Microsatellite.
Coding change: c.225+5_225+8del on transcript NM_004937.3 (MANE Select); bases 5 to 8 of the intron after coding-DNA position 225, 4 bases deleted (GTAA; older notation c.225+5_225+8delGTAA).
Molecular consequence: splice donor variant. On other transcripts: intron variant (3).
Genome position (GRCh38, 1-based): chr17:3,648,936-3,648,939, GTAA deleted; deleting any 4 consecutive bases within chr17:3,648,930-3,648,939 gives the same sequence; the c. name uses the placement nearest the transcript's 3' end. VCF-style (leftmost placement, unchanged base first): chr17-3648929-GAAGT-G. GRCh37 (hg19) VCF-style: chr17-3552223-GAAGT-G.
Other names: c.225+5_225+8delGTAA (NM_004937.2); c.225+5_225+8del (NM_001031681.3, NM_001374492.1); c.-217+1414_-217+1417del (NM_001374493.1, NM_001374496.1); c.-216-6062_-216-6059del (NM_001374495.1); c.-217+5_-217+8del (NM_001374494.1).
Identifiers: ClinVar variation 550829 (VCV000550829.9), dbSNP rs1555561048, ClinGen allele CA658824069.
Genomic context (GRCh38, chr17:3,648,929, plus strand): 5'-GTGATCACTTTTGAAATCACATTTCGTTCCAAAAATATTACTATCCTTGAGCTCCCCGAT[GAAGT>G]AAGTAACCAATCTTAACGGATGGGTAGGGAAATGCTAGGTAACAGAACACATTTGAATTA-3'

ClinVar aggregate classification (germline): Likely pathogenic. Review status: criteria provided, multiple submitters, no conflicts (2 of 4 stars). 4 submissions from 4 submitters: Likely pathogenic (3). 1 of the submissions does not count toward it. Last evaluated 2026-06-29.

Conditions:
Nephropathic cystinosis (CTNS). Also called: Abderhalden Lignac Kaufmann disease; Abderhalden-Kaufmann-Lignac syndrome; CYSTINOSIN, DEFECT OF; LYSOSOMAL CYSTINE TRANSPORT PROTEIN, DEFECT OF. Identifiers: Orphanet 213, Orphanet 411629, MedGen C2931187, MONDO:0100151, OMIM 219800.
Cystinosis. Also called: Cystine diathesis; Cystine storage disease; Cystinoses. Identifiers: Orphanet 213, MedGen C4316899, MONDO:0016239.
Inborn genetic diseases. Identifiers: MedGen C0950123, MeSH D030342.
Ocular cystinosis. Also called: Non-Nephropathic (Ocular) Cystinosis; Non-Nephropathic Cystinosis. Identifiers: Orphanet 213, Orphanet 411641, MedGen C2931013, MONDO:0009064, OMIM 219750.
Juvenile nephropathic cystinosis. Also called: Later-Onset (Juvenile) Cystinosis; Intermediate Cystinosis; CYSTINOSIS, LATE-ONSET JUVENILE OR ADOLESCENT NEPHROPATHIC TYPE. Identifiers: Orphanet 213, Orphanet 411634, MedGen C0268626, MONDO:0009066, OMIM 219900.

Submissions (4):

Myriad Genetics, Inc.
Classification: Likely pathogenic for Cystinosis. Last evaluated: 2026-06-29. Review status: criteria provided, single submitter. Criteria: Myriad Autosomal Dominant, Autosomal Recessive and X-Linked Classification Criteria (2023). Collection method: clinical testing. Allele origin: unknown.
Comment: NM_004937.2(CTNS):c.225+5_225+8delGTAA is an intronic variant classified as likely pathogenic in the context of cystinosis. c.225+5_225+8delGTAA has been observed in a case with relevant disease (PMID: 12442267). Relevant functional assessments of this variant are available in the literature (PMID: 12442267). c.225+5_225+8delGTAA has not been observed in referenced population frequency databases. In summary, NM_004937.2(CTNS):c.225+5_225+8delGTAA is an intronic variant that has functional support for pathogenicity and has been observed more frequently in cases with the relevant disease than in healthy populations. Please note: this variant was assessed in the context of healthy population screening.

Labcorp Genetics (formerly Invitae), Labcorp
Classification: Likely pathogenic for Inborn genetic diseases; Ocular cystinosis; Juvenile nephropathic cystinosis. Last evaluated: 2024-10-30. Review status: criteria provided, single submitter. Criteria: Invitae Variant Classification Sherloc (09022015). Collection method: clinical testing. Allele origin: germline.
Comment: This sequence change falls in intron 5 of the CTNS gene. It does not directly change the encoded amino acid sequence of the CTNS protein. RNA analysis indicates that this variant induces altered splicing and may result in an absent or altered protein product. This variant is not present in population databases (gnomAD no frequency). This variant has been observed in individual(s) with cystinosis (PMID: 12442267). This variant is also known as 564+1del4. Variants that disrupt the consensus splice site are a relatively common cause of aberrant splicing (PMID: 17576681, 9536098). Studies have shown that this variant results in skipping of exons 4 and 5 , and produces a non-functional protein and/or introduces a premature termination codon (PMID: 12442267). This variant disrupts the c.225+5 nucleotide in the CTNS gene. Other variant(s) that disrupt this nucleotide have been determined to be pathogenic (PMID: 11708862). This suggests that this nucleotide is clinically significant, and that variants that disrupt this position are likely to be disease-causing. In summary, the currently available evidence indicates that the variant is pathogenic, but additional data are needed to prove that conclusively. Therefore, this variant has been classified as Likely Pathogenic.

Baylor Genetics
Classification: Likely pathogenic for Nephropathic cystinosis. Last evaluated: 2024-03-18. Review status: criteria provided, single submitter. Criteria: ACMG Guidelines, 2015. Collection method: clinical testing. Allele origin: unknown.

Counsyl
Classification: Uncertain significance for Nephropathic cystinosis. Last evaluated: 2017-02-24. Review status: no assertion criteria provided. Collection method: clinical testing. Allele origin: unknown. Not counted in ClinVar's aggregate classification.

Literature cited by the submitters: PubMed 12442267 (cited by 3 submitters); PubMed 17576681 (cited by Labcorp Genetics (formerly Invitae), Labcorp); PubMed 9536098 (cited by Labcorp Genetics (formerly Invitae), Labcorp); PubMed 11708862 (cited by Labcorp Genetics (formerly Invitae), Labcorp).